The following is an entry in ClinVar:

NM_000059.4(BRCA2):c.7295G>A (p.Arg2432Lys)

Gene: BRCA2 (BRCA2 DNA repair associated; plus strand). Cytogenetic location: 13q13.1.
Variant type: single nucleotide variant.
Coding change: c.7295G>A on transcript NM_000059.4 (MANE Select); coding-DNA position 7295, G replaced by A.
Protein change: p.Arg2432Lys; replaces arginine 2432 with lysine.
Molecular consequence: missense variant. On other transcripts: non-coding transcript variant (1).
Genome position (GRCh38, 1-based): chr13:32,355,148, G>A. VCF-style: chr13-32355148-G-A. GRCh37 (hg19) VCF-style: chr13-32929285-G-A.
Other names: c.7199G>A, p.Arg2400Lys (NM_001406719.1); c.7295G>A, p.Arg2432Lys (NM_001406720.1, NM_001432077.1); c.2363G>A, p.Arg788Lys (NM_001406721.1); c.878G>A, p.Arg293Lys (NM_001406722.1); short protein forms R788K, R2400K, R2432K, R293K.
Identifiers: ClinVar variation 3992811 (VCV003992811.2).
Genomic context (GRCh38, chr13:32,355,148, plus strand): 5'-CTAAATCACATTTTCACAGAGTTGAACAGTGTGTTAGGAATATTAACTTGGAGGAAAACA[G>A]ACAAAAGCAAAACATTGATGGACATGGCTCTGATGATAGTAAAAATAAGATTAATGACAA-3'
Protein context (NP_000050.3, residues 2422-2442): CVRNINLEEN[Arg2432Lys]QKQNIDGHGS

ClinVar aggregate classification (germline): Conflicting classifications of pathogenicity. Review status: criteria provided, conflicting classifications (1 of 4 stars). 2 submissions from 2 submitters: Uncertain significance (1); Likely benign (1). Last evaluated 2025-05-13.

Conditions:
Hereditary cancer-predisposing syndrome. Also called: Tumor predisposition; Hereditary neoplastic syndrome; Neoplastic Syndromes, Hereditary; Hereditary Cancer Syndrome. Identifiers: Orphanet 140162, MedGen C0027672, MeSH D009386, MONDO:0015356.
Hereditary breast ovarian cancer syndrome. Also called: Hereditary breast and ovarian cancer syndrome; Hereditary breast and ovarian cancer; Hereditary breast and ovarian cancer syndrome (HBOC); Breast and ovarian cancer; Hereditary breast and/or ovarian cancer syndrome; BRCA1- and BRCA2-Associated Hereditary Breast and Ovarian Cancer. Identifiers: Orphanet 145, MedGen C0677776, MeSH D061325, MONDO:0003582. Disease mechanism: loss of function.

gnomAD v4.1: 1 of 1,613,418 alleles (0.000062%); highest among the groups gnomAD compares: Non-Finnish European, 0.000085%; no homozygotes.

Submissions (2):

Labcorp Genetics (formerly Invitae), Labcorp
Classification: Uncertain significance for Hereditary breast ovarian cancer syndrome. Last evaluated: 2025-05-13. Review status: criteria provided, single submitter. Criteria: Invitae Variant Classification Sherloc (09022015). Collection method: clinical testing. Allele origin: germline.
Comment: This sequence change replaces arginine, which is basic and polar, with lysine, which is basic and polar, at codon 2432 of the BRCA2 protein (p.Arg2432Lys). This variant is not present in population databases (gnomAD no frequency). This variant has not been reported in the literature in individuals affected with BRCA2-related conditions. Invitae Evidence Modeling of protein sequence and biophysical properties (such as structural, functional, and spatial information, amino acid conservation, physicochemical variation, residue mobility, and thermodynamic stability) indicates that this missense variant is not expected to disrupt BRCA2 protein function with a negative predictive value of 95%. In summary, the available evidence is currently insufficient to determine the role of this variant in disease. Therefore, it has been classified as a Variant of Uncertain Significance.

Ambry Genetics
Classification: Likely benign for Hereditary cancer-predisposing syndrome. Last evaluated: 2025-04-23. Review status: criteria provided, single submitter. Criteria: Ambry Variant Classification Scheme 2023. Collection method: clinical testing. Allele origin: germline.